The following is an entry in ClinVar:

NM_152564.5(VPS13B):c.4949+1G>A

Gene: VPS13B (vacuolar protein sorting 13 homolog B; plus strand). Cytogenetic location: 8q22.2.
Variant type: single nucleotide variant.
Coding change: c.4949+1G>A on transcript NM_152564.5 (MANE Select); the canonical splice donor site of the intron after coding-DNA position 4949, G replaced by A.
Molecular consequence: splice donor variant.
Genome position (GRCh38, 1-based): chr8:99,556,654, G>A. VCF-style: chr8-99556654-G-A. GRCh37 (hg19) VCF-style: chr8-100568882-G-A.
Other names: c.5024+1G>A (NM_017890.5).
Identifiers: ClinVar variation 3572530 (VCV003572530.1).

ClinVar aggregate classification (germline): Likely pathogenic (1 of 4 stars; one submission).

gnomAD v4.1: 4 of 1,612,564 alleles (0.00025%); highest among the groups gnomAD compares: South Asian, 0.0044%; no homozygotes.

Submission:

GeneDx
Classification: Likely pathogenic. Last evaluated: 2024-07-08. Review status: criteria provided, single submitter. Criteria: GeneDx Variant Classification Process June 2021. Collection method: clinical testing. Allele origin: germline. Affected: yes.
Comment: Canonical splice site variant predicted to result in an in-frame loss of the adjacent exon in a gene for which loss of function is a known mechanism of disease; Not observed at significant frequency in large population cohorts (gnomAD); Has not been previously published as pathogenic or benign to our knowledge